The following is an entry in ClinVar:

NM_005246.4(FER):c.1883C>T (p.Thr628Ile)

Gene: FER (FER tyrosine kinase; plus strand). Cytogenetic location: 5q21.3.
Variant type: single nucleotide variant.
Coding change: c.1883C>T on transcript NM_005246.4 (MANE Select); coding-DNA position 1883, C replaced by T.
Protein change: p.Thr628Ile; replaces threonine 628 with isoleucine.
Molecular consequence: missense variant. On other transcripts: non-coding transcript variant (1).
Genome position (GRCh38, 1-based): chr5:109,047,157, C>T. VCF-style: chr5-109047157-C-T. GRCh37 (hg19) VCF-style: chr5-108382858-C-T.
Other names: NM_001308031.2:c.776C>T; c.1358C>T, p.Thr453Ile (NM_001308028.2); c.776C>T, p.Thr259Ile (NM_001308031.2); short protein forms T259I, T453I, T628I.
Identifiers: ClinVar variation 3024397 (VCV003024397.1), dbSNP rs2534099165, ClinGen allele CA360682786.
Genomic context (GRCh38, chr5:109,047,157, plus strand): 5'-CATCTAGAATTCTCAAGCAATATGATCATCCCAATATTGTCAAACTTATAGGAGTTTGCA[C>T]ACAAAGACAGCCTGTCTACATCATTATGGAACTGGTTTCAGGTAATGTGATCTGAGAATT-3'
Protein context (NP_005237.2, residues 618-638): PNIVKLIGVC[Thr628Ile]QRQPVYIIME

ClinVar aggregate classification (germline): Uncertain significance (1 of 4 stars; one submission).

Conditions:
Duane retraction syndrome. Also called: Duane Syndrome; Duane's syndrome; RETRACTION SYNDROME; Duane anomaly. Identifiers: Orphanet 233, MedGen C0013261, MONDO:0007473, HP:0009921.

gnomAD v4.1: 2 of 1,608,976 alleles (0.00012%); highest among the groups gnomAD compares: Non-Finnish European, 0.000085%; no homozygotes.

Submission:

Broad Center for Mendelian Genomics, Broad Institute of MIT and Harvard
Classification: Uncertain significance for Duane retraction syndrome. Last evaluated: 2024-02-26. Review status: criteria provided, single submitter. Criteria: ACMG Guidelines, 2015. Collection method: curation. Allele origin: germline. Inheritance: Autosomal dominant inheritance.
Comment: While this gene is still lacking sufficient evidence to establish a gene-disease association, we believe this is a possible novel gene candidate for DRS. Given the limited information about this gene-disease relationship, the significance of the p.Thr628Ile variant is uncertain. If you have any additional information about functional evidence or other individuals with this phenotype that also have variants in FER we encourage you to reach out to the Engle Lab.